The following is an entry in ClinVar:

NM_000203.5(IDUA):c.624_628dup (p.Arg210fs)

Gene: IDUA (alpha-L-iduronidase; plus strand). Cytogenetic location: 4p16.3.
Variant type: Duplication.
Coding change: c.624_628dup on transcript NM_000203.5 (MANE Select); coding-DNA positions 624 to 628, 5 bases duplicated (TCTGC; older notation c.624_628dupTCTGC).
Protein change: p.Arg210fs; shifts the reading frame from arginine 210.
Molecular consequence: frameshift variant. On other transcripts: non-coding transcript variant (1).
Genome position (GRCh38, 1-based): chr4:1,001,713-1,001,717, TCTGC duplicated. VCF-style (leftmost placement, unchanged base first): chr4-1001712-G-GTCTGC. GRCh37 (hg19) VCF-style: chr4-995500-G-GTCTGC.
Other names: c.228_232dup, p.Arg78fs (NM_001363576.1); c.624_628dupTCTGC (NM_000203.5); short protein forms R210fs, R78fs.
Identifiers: ClinVar variation 3254789 (VCV003254789.1), dbSNP rs2534084526.

ClinVar aggregate classification (germline): Pathogenic (1 of 4 stars; one submission).

Conditions:
Hurler syndrome. Also called: Gargoylism, Hurler Syndrome; MUCOPOLYSACCHARIDOSIS TYPE IH; Severe MPS I (Hurler Syndrome). Identifiers: Orphanet 93473, MedGen C0086795, MONDO:0011758, OMIM 607014.

Submission:

Victorian Clinical Genetics Services, Murdoch Childrens Research Institute
Classification: Pathogenic for Hurler syndrome. Last evaluated: 2023-07-17. Review status: criteria provided, single submitter. Criteria: ACMG Guidelines, 2015. Collection method: clinical testing. Allele origin: germline. Inheritance: Autosomal recessive inheritance. Affected: no.
Comment: Based on the classification scheme VCGS_Germline_v1.3.4, this variant is classified as Pathogenic. Following criteria are met: 0102 - Loss of function is a known mechanism of disease in this gene and is associated with mucopolysaccharidosis Is (MIM#607016), mucopolysaccharidosis Ih/s (MIM#607015), and mucopolysaccharidosis Ih (MIM#607014). (I) 0106 - This gene is associated with autosomal recessive disease. (I) 0201 - Variant is predicted to cause nonsense-mediated decay (NMD) and loss of protein (premature termination codon is located at least 54 nucleotides upstream of the final exon-exon junction). (SP) 0251 - This variant is heterozygous. (I) 0301 - Variant is absent from gnomAD (both v2 and v3). (SP) 0701 - Other NMD-predicted variants comparable to the one identified in this case have very strong previous evidence for pathogenicity (DECIPHER), and are more commonly reported in individuals with Hurler mucopolysaccharidosis (OMIM). (SP) 0807 - This variant has no previous evidence of pathogenicity. (I) 0905 - No published segregation evidence has been identified for this variant. (I) 1007 - No published functional evidence has been identified for this variant. (I) 1208 - Inheritance information for this variant is not currently available in this individual. (I) Legend: (SP) - Supporting pathogenic, (I) - Information, (SB) - Supporting benign